The following is an entry in ClinVar:

NM_000264.5(PTCH1):c.1984G>T (p.Val662Phe)

Genes: PTCH1 (patched 1; minus strand), LOC100507346 (uncharacterized LOC100507346; plus strand). Cytogenetic location: 9q22.32.
Variant type: single nucleotide variant.
Coding change: c.1984G>T on transcript NM_000264.5 (MANE Select); coding-DNA position 1984, G replaced by T.
Protein change: p.Val662Phe; replaces valine 662 with phenylalanine.
Molecular consequence: missense variant. On other transcripts: non-coding transcript variant (2).
Genome position (GRCh38, 1-based): chr9:95,469,017, C>A on the plus strand (G>T on the coding strand, the complement: PTCH1 is on the minus strand). VCF-style: chr9-95469017-C-A. GRCh37 (hg19) VCF-style: chr9-98231299-C-A.
Other names: c.1786G>T, p.Val596Phe (NM_001083602.3); c.1981G>T, p.Val661Phe (NM_001083603.3); c.1531G>T, p.Val511Phe (NM_001083604.3, NM_001083605.3, NM_001083606.3 and 1 more transcripts); c.1828G>T, p.Val610Phe (NM_001354918.2); short protein forms V511F, V596F, V610F, V661F, V662F.
Identifiers: ClinVar variation 2502717 (VCV002502717.1), dbSNP rs1332668908, ClinGen allele CA374115899.

ClinVar aggregate classification (germline): Uncertain significance (1 of 4 stars; one submission).

Submission:

GeneDx
Classification: Uncertain significance. Last evaluated: 2022-11-17. Review status: criteria provided, single submitter. Criteria: GeneDx Variant Classification Process June 2021. Collection method: clinical testing. Allele origin: germline. Affected: yes.
Comment: Not observed at significant frequency in large population cohorts (gnomAD); In silico analysis supports that this missense variant has a deleterious effect on protein structure/function; Has not been previously published as pathogenic or benign to our knowledge